The following is an entry in ClinVar:

NM_000059.4(BRCA2):c.5945G>A (p.Ser1982Asn)

Gene: BRCA2 (BRCA2 DNA repair associated; plus strand). Cytogenetic location: 13q13.1.
Variant type: single nucleotide variant.
Coding change: c.5945G>A on transcript NM_000059.4 (MANE Select); coding-DNA position 5945, G replaced by A.
Protein change: p.Ser1982Asn; replaces serine 1982 with asparagine.
Molecular consequence: missense variant.
Genome position (GRCh38, 1-based): chr13:32,340,300, G>A. VCF-style: chr13-32340300-G-A. GRCh37 (hg19) VCF-style: chr13-32914437-G-A.
Other names: short protein forms S1982N.
Identifiers: ClinVar variation 1044500 (VCV001044500.11), dbSNP rs28897738, ClinGen allele CA6940916.

ClinVar aggregate classification (germline): Conflicting classifications of pathogenicity. Review status: criteria provided, conflicting classifications (1 of 4 stars). 4 submissions from 4 submitters: Uncertain significance (3); Likely benign (1). Last evaluated 2023-11-30.

Conditions:
Hereditary cancer-predisposing syndrome. Also called: Hereditary Cancer Syndrome; Tumor predisposition; Hereditary neoplastic syndrome; Neoplastic Syndromes, Hereditary. Identifiers: Orphanet 140162, MedGen C0027672, MeSH D009386, MONDO:0015356.
Hereditary breast ovarian cancer syndrome. Also called: Hereditary breast and/or ovarian cancer syndrome; Hereditary breast and ovarian cancer syndrome; Hereditary breast and ovarian cancer syndrome (HBOC); Breast and ovarian cancer; Hereditary breast and ovarian cancer; BRCA1- and BRCA2-Associated Hereditary Breast and Ovarian Cancer. Identifiers: Orphanet 145, MedGen C0677776, MeSH D061325, MONDO:0003582. Disease mechanism: loss of function.

Allele frequency attached by ClinVar (database versions not stated): gnomAD exomes below 0.00001; ExAC 0.00001.
gnomAD v4.1: 1 of 1,613,996 alleles (0.000062%); highest among the groups gnomAD compares: South Asian, 0.0011%; no homozygotes.

Submissions (4):

Ambry Genetics
Classification: Uncertain significance for Hereditary cancer-predisposing syndrome. Last evaluated: 2023-11-30. Review status: criteria provided, single submitter. Criteria: Ambry Variant Classification Scheme 2023. Collection method: clinical testing. Allele origin: germline.
Comment: The p.S1982N variant (also known as c.5945G>A), located in coding exon 10 of the BRCA2 gene, results from a G to A substitution at nucleotide position 5945. The serine at codon 1982 is replaced by asparagine, an amino acid with highly similar properties. This amino acid position is well conserved in available vertebrate species. In addition, the in silico prediction for this alteration is inconclusive. Since supporting evidence is limited at this time, the clinical significance of this alteration remains unclear.

University of Washington Department of Laboratory Medicine, University of Washington
Classification: Likely benign for Hereditary cancer-predisposing syndrome. Last evaluated: 2023-03-23. Review status: criteria provided, single submitter. Criteria: Dines et al. (Genet Med. 2020). Collection method: curation. Allele origin: germline.
Comment: Missense variant in a coldspot region where missense variants are very unlikely to be pathogenic (PMID:31911673).

BRCA2 exon 11 coldspot. Reclassification based on statistical prior probability.

Labcorp Genetics (formerly Invitae), Labcorp
Classification: Uncertain significance for Hereditary breast ovarian cancer syndrome. Last evaluated: 2021-08-30. Review status: criteria provided, single submitter. Criteria: Invitae Variant Classification Sherloc (09022015). Collection method: clinical testing. Allele origin: germline.
Comment: This sequence change replaces serine with asparagine at codon 1982 of the BRCA2 protein (p.Ser1982Asn). The serine residue is highly conserved and there is a small physicochemical difference between serine and asparagine. This variant is present in population databases (rs28897738, ExAC 0.006%). This variant has not been reported in the literature in individuals affected with BRCA2-related conditions. Advanced modeling of protein sequence and biophysical properties (such as structural, functional, and spatial information, amino acid conservation, physicochemical variation, residue mobility, and thermodynamic stability) performed at Invitae indicates that this missense variant is not expected to disrupt BRCA2 protein function. In summary, the available evidence is currently insufficient to determine the role of this variant in disease. Therefore, it has been classified as a Variant of Uncertain Significance.

GeneDx
Classification: Uncertain significance. Last evaluated: 2020-08-04. Review status: criteria provided, single submitter. Criteria: GeneDx Variant Classification Process June 2021. Collection method: clinical testing. Allele origin: germline. Affected: yes.
Comment: Not observed at a significant frequency in large population cohorts (Lek et al., 2016); In silico analysis supports that this missense variant does not alter protein structure/function; Has not been previously published as pathogenic or benign to our knowledge; Also known as 6173G>A